The following is an entry in ClinVar:

NM_001184880.2(PCDH19):c.3115G>A (p.Val1039Ile)

Gene: PCDH19 (protocadherin 19; minus strand). Cytogenetic location: Xq22.1.
Variant type: single nucleotide variant.
Coding change: c.3115G>A on transcript NM_001184880.2 (MANE Select); coding-DNA position 3115, G replaced by A.
Protein change: p.Val1039Ile; replaces valine 1039 with isoleucine.
Molecular consequence: missense variant.
Genome position (GRCh38, 1-based): chrX:100,296,609, C>T on the plus strand (G>A on the coding strand, the complement: PCDH19 is on the minus strand). VCF-style: chrX-100296609-C-T. GRCh37 (hg19) VCF-style: chrX-99551607-C-T.
Other names: c.2974G>A, p.Val992Ile (NM_001105243.2); c.2971G>A, p.Val991Ile (NM_020766.3); short protein forms V1039I, V992I, V991I.
Identifiers: ClinVar variation 1505324 (VCV001505324.8), dbSNP rs2147446072, ClinGen allele CA414000416.
Genomic context (GRCh38, chrX:100,296,609, plus strand): 5'-AGCCATTGCCTGCCTCCCGGATAACGCTGTTGACCTTGGGGCTGCAGATGGTCACATCGA[C>T]AGTCCTCTTGCCTTTCAGGGTAGGCCTCTCCTCAGCCGGGTGGTCGCTGACATCTTTCCC-3'
Protein context (NP_001171809.1, residues 1029-1049): ERPTLKGKRT[Val1039Ile]DVTICSPKVN

ClinVar aggregate classification (germline): Uncertain significance (1 of 4 stars; one submission).

Conditions:
Developmental and epileptic encephalopathy, 9 (DEE9). Also called: Early infantile epileptic encephalopathy 9; PCDH19-Related X-Linked Female-Limited Epilepsy with Mental Retardation; EPILEPSY, FEMALE-RESTRICTED, WITH MENTAL RETARDATION; JUBERG-HELLMAN SYNDROME. Identifiers: Orphanet 101039, Orphanet 2076, MedGen C1848137, MONDO:0010246, OMIM 300088. Disease mechanism: loss of function.

Submission:

Labcorp Genetics (formerly Invitae), Labcorp
Classification: Uncertain significance for Developmental and epileptic encephalopathy, 9. Last evaluated: 2021-07-14. Review status: criteria provided, single submitter. Criteria: Invitae Variant Classification Sherloc (09022015). Collection method: clinical testing. Allele origin: germline.
Comment: This variant has not been reported in the literature in individuals affected with PCDH19-related conditions. This variant is not present in population databases (ExAC no frequency). This sequence change replaces valine with isoleucine at codon 1039 of the PCDH19 protein (p.Val1039Ile). The valine residue is highly conserved and there is a small physicochemical difference between valine and isoleucine. Advanced modeling of protein sequence and biophysical properties (such as structural, functional, and spatial information, amino acid conservation, physicochemical variation, residue mobility, and thermodynamic stability) performed at Invitae indicates that this missense variant is not expected to disrupt PCDH19 protein function. In summary, the available evidence is currently insufficient to determine the role of this variant in disease. Therefore, it has been classified as a Variant of Uncertain Significance.